The following is an entry in ClinVar:

NM_014159.7(SETD2):c.2798G>T (p.Gly933Val)

Gene: SETD2 (SET domain containing 2, histone lysine methyltransferase; minus strand). Cytogenetic location: 3p21.31.
Variant type: single nucleotide variant.
Coding change: c.2798G>T on transcript NM_014159.7 (MANE Select); coding-DNA position 2798, G replaced by T.
Protein change: p.Gly933Val; replaces glycine 933 with valine.
Molecular consequence: missense variant. On other transcripts: non-coding transcript variant (1).
Genome position (GRCh38, 1-based): chr3:47,121,838, C>A on the plus strand (G>T on the coding strand, the complement: SETD2 is on the minus strand). VCF-style: chr3-47121838-C-A. GRCh37 (hg19) VCF-style: chr3-47163328-C-A.
Other names: c.2666G>T, p.Gly889Val (NM_001349370.3); short protein forms G933V, G889V.
Identifiers: ClinVar variation 586532 (VCV000586532.45), dbSNP rs202209141, ClinGen allele CA2363485.
Genomic context (GRCh38, chr3:47,121,838, plus strand): 5'-CCATTATTACGCCTGTTCTCCCTGGAAGCAAATCCCTTTCCTGAATCAGGAAGGTCACTA[C>A]CTACTTCTACTATTGTTTCTTTCCCTGCATGCTTTAAAAACTCTGAACTTTTTTTACTCT-3'
Protein context (NP_054878.5, residues 923-943): HAGKETIVEV[Gly933Val]SDLPDSGKGF

ClinVar aggregate classification (germline): Benign/Likely benign. Review status: criteria provided, multiple submitters, no conflicts (2 of 4 stars). 7 submissions from 7 submitters: Benign (4); Likely benign (2). 1 of the submissions does not count toward it. Last evaluated 2025-10-26.

Conditions:
SETD2-related disorder.
Inborn genetic diseases. Identifiers: MedGen C0950123, MeSH D030342.
Luscan-Lumish syndrome. Identifiers: Orphanet 597738, MedGen C4085873, MONDO:0014791, OMIM 616831.

Allele frequency attached by ClinVar (database versions not stated): gnomAD exomes 0.00019 and 0.00041; ESP Exome Variant Server 0.00023; TOPMed 0.00023; gnomAD 0.00010 and 0.00025; ExAC 0.00029.
gnomAD v4.1: 339 of 1,613,958 alleles (0.021%); highest among the groups gnomAD compares: Admixed American, 0.028%; 1 homozygote.

Submissions (7):

Labcorp Genetics (formerly Invitae), Labcorp
Classification: Benign for Luscan-Lumish syndrome. Last evaluated: 2025-10-26. Review status: criteria provided, single submitter. Criteria: Invitae Variant Classification Sherloc (09022015). Collection method: clinical testing. Allele origin: germline.

CeGaT Center for Human Genetics Tuebingen
Classification: Likely benign. Last evaluated: 2024-07-01. Review status: criteria provided, single submitter. Criteria: CeGaT Center For Human Genetics Tuebingen Variant Classification Criteria Version 2. Collection method: clinical testing. Allele origin: germline. Affected: yes. Observed: 2 variant alleles.
Comment: SETD2: BP4, BS1

Genome-Nilou Lab
Classification: Benign for Luscan-Lumish syndrome. Last evaluated: 2022-03-15. Review status: criteria provided, single submitter. Criteria: ACMG Guidelines, 2015. Collection method: clinical testing. Allele origin: germline. Affected: no.

Ambry Genetics
Classification: Likely benign for Inborn genetic diseases. Last evaluated: 2021-03-31. Review status: criteria provided, single submitter. Criteria: Ambry Variant Classification Scheme 2023. Collection method: clinical testing. Allele origin: germline.

Athena Diagnostics
Classification: Benign. Last evaluated: 2018-07-19. Review status: criteria provided, single submitter. Criteria: Athena Diagnostics Criteria. Collection method: clinical testing. Allele origin: germline.

Genetic Services Laboratory, University of Chicago
Classification: Benign. Last evaluated: 2018-07-10. Review status: criteria provided, single submitter. Criteria: ACMG Guidelines, 2015. Collection method: clinical testing. Allele origin: germline. Affected: no.

PreventionGenetics, part of Exact Sciences
Classification: Likely benign for SETD2-related condition. Last evaluated: 2024-02-12. Review status: no assertion criteria provided. Collection method: clinical testing. Allele origin: germline. Not counted in ClinVar's aggregate classification.
Comment: This variant is classified as likely benign based on ACMG/AMP sequence variant interpretation guidelines (Richards et al. 2015 PMID: 25741868, with internal and published modifications).

Literature cited by the submitters: PubMed 28577310 (cited by Athena Diagnostics).